The following is an entry in ClinVar:

NM_001605.3(AARS1):c.2095A>T (p.Ile699Phe)

Gene: AARS1 (alanyl-tRNA synthetase 1; minus strand). Cytogenetic location: 16q22.1.
Variant type: single nucleotide variant.
Coding change: c.2095A>T on transcript NM_001605.3 (MANE Select); coding-DNA position 2095, A replaced by T.
Protein change: p.Ile699Phe; replaces isoleucine 699 with phenylalanine.
Molecular consequence: missense variant.
Genome position (GRCh38, 1-based): chr16:70,258,115, T>A on the plus strand (A>T on the coding strand, the complement: AARS1 is on the minus strand). VCF-style: chr16-70258115-T-A. GRCh37 (hg19) VCF-style: chr16-70292018-T-A.
Other names: short protein forms I699F.
Identifiers: ClinVar variation 1682168 (VCV001682168.8), dbSNP rs1427798398, ClinGen allele CA396557665.

ClinVar aggregate classification (germline): Uncertain significance (1 of 4 stars; one submission).

Conditions:
Charcot-Marie-Tooth disease type 2. Also called: Charcot-Marie-Tooth type 2. Identifiers: Orphanet 64746, MedGen C0270914, MONDO:0018993.

Allele frequency attached by ClinVar (database versions not stated): gnomAD exomes below 0.00001 and 0.00001; TOPMed below 0.00001; gnomAD 0.00001.
gnomAD v4.1: 5 of 1,613,664 alleles (0.00031%); highest among the groups gnomAD compares: East Asian, 0.011%; no homozygotes.

Submission:

Labcorp Genetics (formerly Invitae), Labcorp
Classification: Uncertain significance for Charcot-Marie-Tooth disease type 2. Last evaluated: 2022-06-27. Review status: criteria provided, single submitter. Criteria: Invitae Variant Classification Sherloc (09022015). Collection method: clinical testing. Allele origin: germline.
Comment: In summary, the available evidence is currently insufficient to determine the role of this variant in disease. Therefore, it has been classified as a Variant of Uncertain Significance. Algorithms developed to predict the effect of missense changes on protein structure and function are either unavailable or do not agree on the potential impact of this missense change (SIFT: "Tolerated"; PolyPhen-2: "Possibly Damaging"; Align-GVGD: "Class C0"). This variant has not been reported in the literature in individuals affected with AARS-related conditions. This variant is present in population databases (no rsID available, gnomAD 0.006%). This sequence change replaces isoleucine, which is neutral and non-polar, with phenylalanine, which is neutral and non-polar, at codon 699 of the AARS protein (p.Ile699Phe).